The following is an entry in ClinVar:

ClinVar aggregate classification (germline): Uncertain significance (1 of 4 stars; one submission).

Conditions:
Early-infantile DEE. Also called: Early infantile epileptic encephalopathy with suppression bursts; Early infantile epileptic encephalopathy; Ohtahara syndrome. Identifiers: Orphanet 1934, MedGen C0393706, MONDO:0800491.

Allele frequency attached by ClinVar (database versions not stated): TOPMed below 0.00001.

Submission:

Labcorp Genetics (formerly Invitae), Labcorp
Classification: Uncertain significance for Early-infantile DEE. Last evaluated: 2022-02-06. Review status: criteria provided, single submitter. Criteria: Invitae Variant Classification Sherloc (09022015). Collection method: clinical testing. Allele origin: germline.
Comment: In summary, the available evidence is currently insufficient to determine the role of this variant in disease. Therefore, it has been classified as a Variant of Uncertain Significance. Algorithms developed to predict the effect of sequence changes on RNA splicing suggest that this variant may create or strengthen a splice site. This variant has not been reported in the literature in individuals affected with SCN1A-related conditions. This variant is not present in population databases (gnomAD no frequency). This sequence change affects codon 801 of the SCN1A mRNA. It is a 'silent' change, meaning that it does not change the encoded amino acid sequence of the SCN1A protein.

NM_001165963.4(SCN1A):c.2403A>G (p.Thr801=)

Gene: SCN1A (sodium voltage-gated channel alpha subunit 1; minus strand). Cytogenetic location: 2q24.3.
Variant type: single nucleotide variant.
Coding change: c.2403A>G on transcript NM_001165963.4 (MANE Select); coding-DNA position 2403, A replaced by G.
Protein change: p.Thr801=; no amino-acid change (threonine 801 retained).
Molecular consequence: synonymous variant. On other transcripts: 5 prime UTR variant (1), non-coding transcript variant (1).
Genome position (GRCh38, 1-based): chr2:166,041,243, T>C on the plus strand (A>G on the coding strand, the complement: SCN1A is on the minus strand). VCF-style: chr2-166041243-T-C. GRCh37 (hg19) VCF-style: chr2-166897753-T-C.
Other names: c.2319A>G, p.Thr773= (NM_001165964.3, NM_001353957.2, NM_001353958.2); c.2403A>G, p.Thr801= (NM_001202435.3, NM_001353948.2); c.2370A>G, p.Thr790= (NM_001353949.2, NM_001353950.2, NM_001353951.2 and 2 more transcripts); c.2367A>G, p.Thr789= (NM_001353954.2, NM_001353955.2); c.2316A>G, p.Thr772= (NM_001353960.2); c.-56A>G (NM_001353961.2).
Identifiers: ClinVar variation 2180215 (VCV002180215.4), dbSNP rs1697127852, ClinGen allele CA429976063.